The following is an entry in ClinVar:

NM_181458.4(PAX3):c.561C>G (p.Ser187Arg)

Gene: PAX3 (paired box 3; minus strand). Cytogenetic location: 2q36.1.
Variant type: single nucleotide variant.
Coding change: c.561C>G on transcript NM_181458.4 (MANE Select); coding-DNA position 561, C replaced by G.
Protein change: p.Ser187Arg; replaces serine 187 with arginine.
Molecular consequence: missense variant.
Genome position (GRCh38, 1-based): chr2:222,294,192, G>C on the plus strand (C>G on the coding strand, the complement: PAX3 is on the minus strand). VCF-style: chr2-222294192-G-C. GRCh37 (hg19) VCF-style: chr2-223158911-G-C.
Other names: c.561C>G, p.Ser187Arg (NM_000438.6, NM_013942.5, NM_181457.4 and 3 more transcripts); c.558C>G, p.Ser186Arg (NM_001127366.3); short protein forms S187R, S186R.
Identifiers: ClinVar variation 229126 (VCV000229126.15), dbSNP rs375978379, ClinGen allele CA2135697.

ClinVar aggregate classification (germline): Uncertain significance. Review status: criteria provided, multiple submitters, no conflicts (2 of 4 stars). 6 submissions from 6 submitters: Uncertain significance (6). Last evaluated 2026-07-21.

Conditions:
PAX3-related disorder. Also called: PAX3-related condition.
Inborn genetic diseases. Identifiers: MedGen C0950123, MeSH D030342.

Allele frequency attached by ClinVar (database versions not stated): ExAC 0.00007; ESP Exome Variant Server 0.00008; gnomAD 0.00008 and 0.00009; gnomAD exomes 0.00008 and 0.00023; TOPMed 0.00009.
gnomAD v4.1: 337 of 1,614,222 alleles (0.021%); highest among the groups gnomAD compares: Non-Finnish European, 0.028%; no homozygotes.

Submissions (6):

PreventionGenetics, part of Exact Sciences
Classification: Uncertain significance for PAX3-related condition. Last evaluated: 2026-07-21. Review status: criteria provided, single submitter. Criteria: ACMG Guidelines, 2015. Collection method: clinical testing. Allele origin: germline.
Comment: The PAX3 c.561C>G variant is predicted to result in the amino acid substitution p.Ser187Arg. To our knowledge, this variant has not been reported in the literature. This variant is reported in 0.016% of alleles in individuals of European (Non-Finnish) descent in gnomAD. At this time, the clinical significance of this variant is uncertain due to the absence of conclusive functional and genetic evidence.

GeneDx
Classification: Uncertain significance. Last evaluated: 2024-09-12. Review status: criteria provided, single submitter. Criteria: GeneDx Variant Classification Process June 2021. Collection method: clinical testing. Allele origin: germline. Affected: yes.
Comment: In silico analysis supports that this missense variant has a deleterious effect on protein structure/function; Has not been previously published as pathogenic or benign to our knowledge

Blueprint Genetics
Classification: Uncertain significance. Last evaluated: 2023-11-14. Review status: criteria provided, single submitter. Criteria: ACMG Guidelines, 2015. Collection method: clinical testing. Allele origin: germline.

Ambry Genetics
Classification: Uncertain significance for Inborn genetic diseases. Last evaluated: 2023-04-11. Review status: criteria provided, single submitter. Criteria: Ambry Variant Classification Scheme 2023. Collection method: clinical testing. Allele origin: germline.

Labcorp Genetics (formerly Invitae), Labcorp
Classification: Uncertain significance. Last evaluated: 2021-11-18. Review status: criteria provided, single submitter. Criteria: Invitae Variant Classification Sherloc (09022015). Collection method: clinical testing. Allele origin: germline.
Comment: This sequence change replaces serine, which is neutral and polar, with arginine, which is basic and polar, at codon 187 of the PAX3 protein (p.Ser187Arg). This variant is present in population databases (rs375978379, gnomAD 0.02%). This variant has not been reported in the literature in individuals affected with PAX3-related conditions. ClinVar contains an entry for this variant (Variation ID: 229126). Algorithms developed to predict the effect of missense changes on protein structure and function are either unavailable or do not agree on the potential impact of this missense change (SIFT: "Deleterious"; PolyPhen-2: "Possibly Damaging"; Align-GVGD: "Class C15"). In summary, the available evidence is currently insufficient to determine the role of this variant in disease. Therefore, it has been classified as a Variant of Uncertain Significance.

Laboratory for Molecular Medicine, Mass General Brigham Personalized Medicine
Classification: Uncertain significance. Last evaluated: 2015-04-22. Review status: criteria provided, single submitter. Criteria: LMM Criteria. Collection method: clinical testing. Allele origin: germline. Observed: 1 variant allele.
Comment: The p.Ser187Arg variant in PAX3 has not been previously reported in individuals with hearing loss, but has been identified in 8/66740 of European chromosomes by the Exome Aggregation Consortium (ExAC; dbSNP r s375978379). Computational prediction tools and conservation analyses suggest th at the p.Ser187Arg variant may impact the protein, though this information is no t predictive enough to determine pathogenicity. In summary, the clinical signifi cance of the p.Ser187Arg variant is uncertain.